The following is an entry in ClinVar:

NM_033056.4(PCDH15):c.5702_5705del (p.Ser1901fs)

Gene: PCDH15 (protocadherin related 15; minus strand). Cytogenetic location: 10q21.1.
Variant type: Deletion.
Coding change: c.5702_5705del on transcript NM_033056.4 (MANE Plus Clinical); coding-DNA positions 5702 to 5705, 4 bases deleted (GTCA; older notation c.5702_5705delGTCA).
Protein change: p.Ser1901fs; shifts the reading frame from serine 1901.
Molecular consequence: frameshift variant. On other transcripts: intron variant (8).
Genome position (GRCh38, 1-based): chr10:53,822,021-53,822,024, TGAC deleted on the plus strand (GTCA on the coding strand, the reverse complement: PCDH15 is on the minus strand); deleting any 4 consecutive bases within chr10:53,822,021-53,822,026 gives the same sequence; the c. name uses the placement nearest the transcript's 3' end. VCF-style (leftmost placement, unchanged base first): chr10-53822020-TTGAC-T. GRCh37 (hg19) VCF-style: chr10-55581780-TTGAC-T.
Other names: c.5723_5726del, p.Ser1908fs (NM_001142763.2); c.5708_5711del, p.Ser1903fs (NM_001142764.2); c.5495_5498del, p.Ser1832fs (NM_001142765.2); c.5693_5696del, p.Ser1898fs (NM_001142766.2); c.5582_5585del, p.Ser1861fs (NM_001142767.2); c.5642_5645del, p.Ser1881fs (NM_001142768.2); c.5633_5636del, p.Ser1878fs (NM_001142773.2); c.5636_5639del, p.Ser1879fs (NM_001354404.2); and 7 more; short protein forms S1861fs, S1879fs, S1898fs, S1908fs, S1832fs, S1881fs, S1878fs, S1901fs.
Identifiers: ClinVar variation 1925300 (VCV001925300.5), dbSNP rs1554819570, ClinGen allele CA2580081608.
Genomic context (GRCh38, chr10:53,822,020, plus strand): 5'-TTCTGAAGGGCACATAGTTTGAAGTTCTGAAACATTTGTGCGTAGATAGTTTTTTTCTAT[TTGAC>T]TGTACATGTTAGCTACTGATTTTTCAAGTTCTGCTAAGTTTTTAACGTGTCTGAGGATGC-3'

ClinVar aggregate classification (germline): Uncertain significance (1 of 4 stars; one submission).

Submission:

Labcorp Genetics (formerly Invitae), Labcorp
Classification: Uncertain significance. Last evaluated: 2022-08-08. Review status: criteria provided, single submitter. Criteria: Invitae Variant Classification Sherloc (09022015). Collection method: clinical testing. Allele origin: germline.
Comment: In summary, the available evidence is currently insufficient to determine the role of this variant in disease. Therefore, it has been classified as a Variant of Uncertain Significance. This variant has not been reported in the literature in individuals affected with PCDH15-related conditions. This variant is not present in population databases (gnomAD no frequency). This sequence change creates a premature translational stop signal (p.Ser1901Lysfs*2) in the PCDH15 gene. While this is not anticipated to result in nonsense mediated decay, it is expected to disrupt the last 55 amino acid(s) of the PCDH15 protein.